The following is an entry in ClinVar:

NM_001376.5(DYNC1H1):c.4291del (p.Gly1432fs)

Gene: DYNC1H1 (dynein cytoplasmic 1 heavy chain 1; plus strand). Cytogenetic location: 14q32.31.
Variant type: Deletion.
Coding change: c.4291del on transcript NM_001376.5 (MANE Select); coding-DNA position 4291, one base deleted (C; older notation c.4291delC).
Protein change: p.Gly1432fs; shifts the reading frame from glycine 1432.
Molecular consequence: frameshift variant.
Genome position (GRCh38, 1-based): chr14:102,001,250, C deleted; the last of 3 consecutive C bases (chr14:102,001,248-102,001,250); deleting any one gives the same sequence. VCF-style (leftmost placement, unchanged base first): chr14-102001247-AC-A. GRCh37 (hg19) VCF-style: chr14-102467584-AC-A.
Other names: short protein forms G1432fs.
Identifiers: ClinVar variation 2752195 (VCV002752195.3), dbSNP rs2503730241, ClinGen allele CA2697554202.

ClinVar aggregate classification (germline): Uncertain significance (1 of 4 stars; one submission).

Conditions:
Charcot-Marie-Tooth disease axonal type 2O. Also called: CHARCOT-MARIE-TOOTH NEUROPATHY, AXONAL, TYPE 2O; CHARCOT-MARIE-TOOTH DISEASE, AXONAL, AUTOSOMAL DOMINANT, TYPE 2O; Charcot-Marie-Tooth Neuropathy Type 2O; Charcot-Marie-Tooth disease, axonal, type 20. Identifiers: Orphanet 284232, MedGen C3280220, MONDO:0013644, OMIM 614228.

Submission:

Labcorp Genetics (formerly Invitae), Labcorp
Classification: Uncertain significance for Charcot-Marie-Tooth disease axonal type 2O. Last evaluated: 2023-08-11. Review status: criteria provided, single submitter. Criteria: Invitae Variant Classification Sherloc (09022015). Collection method: clinical testing. Allele origin: germline.
Comment: This sequence change creates a premature translational stop signal (p.Gly1432Alafs*32) in the DYNC1H1 gene. It is expected to result in an absent or disrupted protein product. However, the current clinical and genetic evidence is not sufficient to establish whether loss-of-function variants in DYNC1H1 cause disease. This variant is not present in population databases (gnomAD no frequency). This variant has not been reported in the literature in individuals affected with DYNC1H1-related conditions. In summary, the available evidence is currently insufficient to determine the role of this variant in disease. Therefore, it has been classified as a Variant of Uncertain Significance.